The following is an entry in ClinVar:

NM_001365951.3(KIF1B):c.5074G>T (p.Asp1692Tyr)

Gene: KIF1B (kinesin family member 1B; plus strand). Cytogenetic location: 1p36.22.
Variant type: single nucleotide variant.
Coding change: c.5074G>T on transcript NM_001365951.3 (MANE Select); coding-DNA position 5074, G replaced by T.
Protein change: p.Asp1692Tyr; replaces aspartic acid 1692 with tyrosine.
Molecular consequence: missense variant.
Genome position (GRCh38, 1-based): chr1:10,374,443, G>T. VCF-style: chr1-10374443-G-T. GRCh37 (hg19) VCF-style: chr1-10434501-G-T.
Other names: c.5074G>T, p.Asp1692Tyr (NM_001365952.1); c.4936G>T, p.Asp1646Tyr (NM_015074.3); short protein forms D1692Y, D1646Y.
Identifiers: ClinVar variation 5023227 (VCV005023227.1).

ClinVar aggregate classification (germline): Uncertain significance (1 of 4 stars; one submission).

Submission:

Ambry Genetics
Classification: Uncertain significance. Last evaluated: 2026-08-29. Review status: criteria provided, single submitter. Criteria: Ambry Variant Classification Scheme 2023. Collection method: clinical testing. Allele origin: germline.
Comment: The p.D1646Y variant (also known as c.4936G>T), located in coding exon 43 of the KIF1B gene, results from a G to T substitution at nucleotide position 4936. The aspartic acid at codon 1646 is replaced by tyrosine, an amino acid with highly dissimilar properties. This amino acid position is conserved. In addition, this alteration is predicted to be deleterious by in silico analysis. Based on the available evidence, the clinical significance of this variant remains unclear.